The following is an entry in ClinVar:

ClinVar aggregate classification (germline): Uncertain significance (1 of 4 stars; one submission).

Conditions:
Hypertrophic cardiomyopathy. Also called: HYPERTROPHIC MYOCARDIOPATHY. Identifiers: Orphanet 217569, MedGen C0007194, MeSH D002312, MONDO:0005045, HP:0001639.

Submission:

Labcorp Genetics (formerly Invitae), Labcorp
Classification: Uncertain significance for Hypertrophic cardiomyopathy. Last evaluated: 2024-04-29. Review status: criteria provided, single submitter. Criteria: Invitae Variant Classification Sherloc (09022015). Collection method: clinical testing. Allele origin: germline.
Comment: This sequence change replaces cysteine, which is neutral and slightly polar, with tyrosine, which is neutral and polar, at codon 1253 of the MYBPC3 protein (p.Cys1253Tyr). This variant is not present in population databases (gnomAD no frequency). This missense change has been observed in individual(s) with hypertrophic cardiomyopathy (Invitae). ClinVar contains an entry for this variant (Variation ID: 2057887). An algorithm developed to predict the effect of missense changes on protein structure and function (PolyPhen-2) suggests that this variant is likely to be disruptive. In summary, the available evidence is currently insufficient to determine the role of this variant in disease. Therefore, it has been classified as a Variant of Uncertain Significance.

NM_000256.3(MYBPC3):c.3758G>A (p.Cys1253Tyr)

Gene: MYBPC3 (myosin binding protein C3; minus strand). Cytogenetic location: 11p11.2.
Variant type: single nucleotide variant.
Coding change: c.3758G>A on transcript NM_000256.3 (MANE Select); coding-DNA position 3758, G replaced by A.
Protein change: p.Cys1253Tyr; replaces cysteine 1253 with tyrosine.
Molecular consequence: missense variant.
Genome position (GRCh38, 1-based): chr11:47,332,128, C>T on the plus strand (G>A on the coding strand, the complement: MYBPC3 is on the minus strand). VCF-style: chr11-47332128-C-T. GRCh37 (hg19) VCF-style: chr11-47353679-C-T.
Other names: short protein forms C1253Y.
Identifiers: ClinVar variation 2057887 (VCV002057887.4), dbSNP rs2495736176, ClinGen allele CA380310824.